The following is an entry in ClinVar:

NM_001378743.1(CYLD):c.*3070A>G

Genes: CYLD (CYLD lysine 63 deubiquitinase; plus strand), CYLD-AS2 (CYLD antisense RNA 2; minus strand). Cytogenetic location: 16q12.1.
Variant type: single nucleotide variant.
Coding change: c.*3070A>G on transcript NM_001378743.1 (MANE Select); 3070 bases downstream of the stop codon, A replaced by G.
Molecular consequence: 3 prime UTR variant. On other transcripts: non-coding transcript variant (1).
Genome position (GRCh38, 1-based): chr16:50,799,578, A>G. VCF-style: chr16-50799578-A-G. GRCh37 (hg19) VCF-style: chr16-50833489-A-G.
Other names: c.*3070A>G (NM_001042355.2, NM_001042412.3, NM_001378744.1 and 12 more transcripts).
Identifiers: ClinVar variation 319547 (VCV000319547.5), dbSNP rs144667145, ClinGen allele CA10647646.

ClinVar aggregate classification (germline): Benign. Review status: criteria provided, single submitter (1 of 4 stars). 3 submissions from 1 submitter: Benign (3). Last evaluated 2018-01-12.

Conditions:
Familial multiple trichoepitheliomata. Also called: Familial multiple trichoepithelioma. Identifiers: Orphanet 79493, Orphanet 867, MedGen C1275122, MONDO:0011114.
Brooke-Spiegler syndrome. Also called: CYLD Cutaneous Syndrome. Identifiers: Orphanet 79493, MedGen C1857941, MONDO:0011512, OMIM 605041.
Familial cylindromatosis. Also called: Turban tumor syndrome; ANCELL-SPIEGLER CYLINDROMAS. Identifiers: Orphanet 211, Orphanet 79493, MedGen C1851526, MONDO:0007565, OMIM 132700.

Allele frequency attached by ClinVar (database versions not stated): TOPMed 0.00125; gnomAD exomes 0.00145; 1000 Genomes Project 30x 0.00156; 1000 Genomes Project 0.00160; gnomAD 0.00411 and 0.00435.
gnomAD v4.1: 740 of 233,734 alleles (0.32%); highest among the groups gnomAD compares: Non-Finnish European, 0.25%; 10 homozygotes.

Submissions (3):

Illumina Laboratory Services, Illumina
Classification: Benign for Brooke-Spiegler syndrome. Last evaluated: 2018-01-12. Review status: criteria provided, single submitter. Criteria: ICSL Variant Classification Criteria 13 December 2019. Collection method: clinical testing. Allele origin: germline.
Comment: This variant was observed in the ICSL laboratory as part of a predisposition screen in an ostensibly healthy population. It had not been previously curated by ICSL or reported in the Human Gene Mutation Database (HGMD: prior to June 1st, 2018), and was therefore a candidate for classification through an automated scoring system. Utilizing variant allele frequency, disease prevalence and penetrance estimates, and inheritance mode, an automated score was calculated to assess if this variant is too frequent to cause the disease. Based on the score and internal cut-off values, a variant classified as benign is not then subjected to further curation. The score for this variant resulted in a classification of benign for this disease.

Illumina Laboratory Services, Illumina
Classification: Benign for Familial cylindromatosis. Last evaluated: 2018-01-12. Review status: criteria provided, single submitter. Criteria: ICSL Variant Classification Criteria 13 December 2019. Collection method: clinical testing. Allele origin: germline.
Comment: the same text as in the submission from Illumina Laboratory Services, Illumina above.

Illumina Laboratory Services, Illumina
Classification: Benign for Trichoepithelioma, multiple familial, 1. Last evaluated: 2018-01-12. Review status: criteria provided, single submitter. Criteria: ICSL Variant Classification Criteria 13 December 2019. Collection method: clinical testing. Allele origin: germline.
Comment: the same text as in the submission from Illumina Laboratory Services, Illumina above.